The following is an entry in ClinVar:

ClinVar aggregate classification (germline): Uncertain significance (1 of 4 stars; one submission).

Allele frequency attached by ClinVar (database versions not stated): TOPMed 0.00003; gnomAD exomes 0.00004; gnomAD 0.00005; ExAC 0.00010; 1000 Genomes Project 30x 0.00016; 1000 Genomes Project 0.00020.
gnomAD v4.1: 63 of 1,614,030 alleles (0.0039%); highest among the groups gnomAD compares: East Asian, 0.13%; no homozygotes.

Submission:

Labcorp Genetics (formerly Invitae), Labcorp
Classification: Uncertain significance. Last evaluated: 2023-12-11. Review status: criteria provided, single submitter. Criteria: Invitae Variant Classification Sherloc (09022015). Collection method: clinical testing. Allele origin: germline.
Comment: This sequence change replaces serine, which is neutral and polar, with asparagine, which is neutral and polar, at codon 535 of the MYO5B protein (p.Ser535Asn). This variant is present in population databases (rs202201947, gnomAD 0.1%). This missense change has been observed in individual(s) with cholestasis (PMID: 28027573). Advanced modeling of protein sequence and biophysical properties (such as structural, functional, and spatial information, amino acid conservation, physicochemical variation, residue mobility, and thermodynamic stability) performed at Invitae indicates that this missense variant is not expected to disrupt MYO5B protein function with a negative predictive value of 80%. In summary, the available evidence is currently insufficient to determine the role of this variant in disease. Therefore, it has been classified as a Variant of Uncertain Significance.

Literature cited by the submitters: PubMed 28027573.

NM_001080467.3(MYO5B):c.1604G>A (p.Ser535Asn)

Gene: MYO5B (myosin VB; minus strand). Cytogenetic location: 18q21.1.
Variant type: single nucleotide variant.
Coding change: c.1604G>A on transcript NM_001080467.3 (MANE Select); coding-DNA position 1604, G replaced by A.
Protein change: p.Ser535Asn; replaces serine 535 with asparagine.
Molecular consequence: missense variant.
Genome position (GRCh38, 1-based): chr18:49,954,377, C>T on the plus strand (G>A on the coding strand, the complement: MYO5B is on the minus strand). VCF-style: chr18-49954377-C-T. GRCh37 (hg19) VCF-style: chr18-47480747-C-T.
Other names: short protein forms S535N.
Identifiers: ClinVar variation 2722384 (VCV002722384.1), dbSNP rs202201947, ClinGen allele CA8961458.